The following continues an entry in ClinVar:

NM_000018.4(ACADVL):c.1097G>A (p.Arg366His)

Gene: ACADVL. ClinVar aggregate classification (germline): Likely pathogenic. Likely pathogenic (1).

Submissions 9 to 16 of 16:

ARUP Laboratories, Molecular Genetics and Genomics, ARUP Laboratories
Classification: Pathogenic for Very long chain acyl-CoA dehydrogenase deficiency. Last evaluated: 2022-01-25. Review status: criteria provided, single submitter. Criteria: ARUP Molecular Germline Variant Investigation Process 2021. Collection method: clinical testing. Allele origin: germline. Not counted in ClinVar's aggregate classification.
Comment: The ACADVL c.1097G>A; p.Arg366His variant (rs112406105), also known as Arg326His, has been reported in individuals with VLCAD deficiency both in the homozygous state and as compound heterozygous with another ACADVL pathogenic variant (Andresen 1999, Antunes 2013, Evans 2016, Gobin-Limballe 2010). Additionally, a different alteration at this codon (p.Arg366Cys) has also been associated with VLCAD deficiency and is considered pathogenic (Andresen 1996, Hoffman 2012, Spiekerkoetter 2010). The p.Arg366His variant is listed in ClinVar (Variation ID: 203580) and observed in the general population with low overall allele frequency of 0.003% (8/282,884 alleles) in the Genome Aggregation Database. The arginine at codon 366 is highly conserved and computational analyses predict that this variant is deleterious (REVEL: 0.975). Based on the above information, the p.Arg366His variant is considered pathogenic. References: Andresen BS et al. Clear correlation of genotype with disease phenotype in very-long-chain acyl-CoA dehydrogenase deficiency. Am J Hum Genet. 1999 Feb;64(2):479-94. PMID: 9973285. Andresen BS et al. Cloning and characterization of human very-long-chain acyl-CoA dehydrogenase cDNA, chromosomal assignment of the gene and identification in four patients of nine different mutations within the VLCAD gene. Hum Mol Genet. 1996 Apr;5(4):461-72. PMID: 8845838. Antunes AP et al. Intermittent rhabdomyolysis with adult onset associated with a mutation in the ACADVL gene. J Clin Neuromuscul Dis. 2013 Dec;15(2):69-72. PMID: 24263034. Evans M et al. VLCAD deficiency: Follow-up and outcome of patients diagnosed through newborn screening in Victoria. Mol Genet Metab. 2016 Aug;118(4):282-7. PMID: 27246109. Gobin-Limballe S et al. Compared effects of missense mutations in Very-Long-Chain Acyl-CoA Dehydrogenase deficiency: Combined analysis by structural, functional and pharmacological approaches. Biochim Biophys Acta. 2010 May;1802(5):478-84. PMID: 20060901. Hoffman L et al. VLCAD enzyme activity determinations in newborns identified by screening: a valuable tool for risk assessment. J Inherit Metab Dis. 2012 Mar;35(2):269-77. PMID: 21932095. Spiekerkoetter U et al. Tandem mass spectrometry screening for very long-chain acyl-CoA dehydrogenase deficiency: the value of second-tier enzyme testing. J Pediatr. 2010 Oct;157(4):668-73. PMID: 20547398.

GeneDx
Classification: Pathogenic. Last evaluated: 2020-04-29. Review status: criteria provided, single submitter. Criteria: GeneDx Variant Classification Process June 2021. Collection method: clinical testing. Allele origin: germline. Affected: yes. Not counted in ClinVar's aggregate classification.
Comment: Not observed at a significant frequency in large population cohorts (gnomAD); In silico analysis supports that this missense variant has a deleterious effect on protein structure/function; This variant is associated with the following publications: (PMID: 16488171, 26385305, 20060901, 24263034, 27246109, 25456746, 28755359, 28871440, 31589614, 32558070, 32528171, 9973285)

Wong Mito Lab, Molecular and Human Genetics, Baylor College of Medicine
Classification: Pathogenic for Very long chain acyl-CoA dehydrogenase deficiency. Last evaluated: 2019-11-01. Review status: criteria provided, single submitter. Criteria: ACMG Guidelines, 2015. Collection method: clinical testing. Allele origin: germline. Not counted in ClinVar's aggregate classification.
Comment: The NM_000018.3:c.1097G>A (NP_000009.1:p.Arg366His) [GRCH38: NC_000017.11:g.7223152G>A] variant in ACADVL gene is interpretated to be Pathogenic based on ACMG guidelines (PMID: 25741868). This variant has been reported in PMID: 9973285. This variant meets the following evidence codes reported in the ACMG guidelines: PS1, PS3

Illumina Laboratory Services, Illumina
Classification: Pathogenic for Very long chain acyl-CoA dehydrogenase deficiency. Last evaluated: 2019-01-09. Review status: criteria provided, single submitter. Criteria: ICSL Variant Classification Criteria 09 May 2019. Collection method: clinical testing. Allele origin: germline. Not counted in ClinVar's aggregate classification.
Comment: The ACADVL c.1097G>A (p.Arg366His) missense variant has been reported in at least four studies in which it is identified in at least seven individuals with VLCAD deficiency including in a homozygous state in one individual, in a compound heterozygous state in three individuals, in cis with another missense variant, both of which are in trans with a third missense variant in one individual, and in a heterozygous state in two individuals in whom it is unclear if they carry a second variant (Andresen et al. 1999; Boneh et al. 2006; Antunes et al. 2013; Evans et al. 2016). The p.Arg366His variant was absent from 100 control alleles and is reported at a frequency of 0.000098 in the South Asian population of the Genome Aggregation Database. Biochemical studies confirmed the VLCAD deficiency in all patients. Western blot analysis revealed reduced or barely detectable protein levels in fibroblasts from a patient carrying the p.Arg366His variant (Andresen et al. 1999). Several studies note that the variant is associated with a milder phenotype (Gobin-Limballe et al. 2010; Antunes et al. 2013; Brown et al. 2014). Structural analysis of the VLCAD protein suggests that the p.Arg366His variant would induce major structural alterations in substrate-binding, FAD-binding and in enzyme monomer-monomer interactions (Gobin-Limballe et al. 2010). The Arg366 site is thought to be a potential hotspot for variants (Andresen et al. 1999). Based on the collective evidence, the p.Arg366His variant is classified as pathogenic for VLCAD deficiency. This variant was observed by ICSL as part of a predisposition screen in an ostensibly healthy population.

Eurofins Ntd Llc (ga)
Classification: Pathogenic. Last evaluated: 2018-04-25. Review status: criteria provided, single submitter. Criteria: EGL ClinVar v180209 classification definitions. Collection method: clinical testing. Allele origin: germline. Observed: 1 variant allele, 1 heterozygote. Not counted in ClinVar's aggregate classification.

Kariminejad - Najmabadi Pathology & Genetics Center
Classification: Pathogenic for Very long chain acyl-CoA dehydrogenase deficiency. Review status: criteria provided, single submitter. Criteria: ACMG Guidelines, 2015. Collection method: clinical testing. Allele origin: germline. Affected: no. Not counted in ClinVar's aggregate classification.

Rady Children's Institute for Genomic Medicine, Rady Children's Hospital San Diego
Classification: Pathogenic for ACYL-CoA DEHYDROGENASE, VERY LONG-CHAIN, DEFICIENCY OF. Review status: criteria provided, single submitter. Criteria: ACMG Guidelines, 2015. Collection method: clinical testing. Allele origin: germline. Affected: yes. Not counted in ClinVar's aggregate classification.
Comment: This variant has been observed as homozygous or compound heterozygous change in several individuals affected with very long chain acyl-CoA dehydrogenase (VLCAD)(PMID: 9973285, 20060901, 24263034, 27246109). This variant is also known as p.Arg326His in the literature. ClinVar contains an entry for this variant (Variation ID: 203580). A different amino acid change at the same residue (p.Arg366Cys) have been reported in association with VLCAD deficiency (PMID 8845838, 21932095) supporting the functional importance of this region of the protein. It is present in the heterozygous state in the gnomAD population database at a frequency of 0.003% (8/282884) and thus is presumed to be rare. The c.1166G>A (p.Arg389His) variant affects a highly conserved amino acid and is predicted by multiple in silico tools to have a deleterious effect on protein function. Based on the available evidence, the c.1166G>A (p.Arg389His) variant is classified as Pathogenic.

Counsyl
Classification: Likely pathogenic for Very long chain acyl-CoA dehydrogenase deficiency. Last evaluated: 2016-05-27. Review status: no assertion criteria provided. Collection method: clinical testing. Allele origin: unknown. Not counted in ClinVar's aggregate classification.

Literature cited by the submitters: PubMed 9973285 (cited by 4 submitters); PubMed 20060901 (cited by 4 submitters); PubMed 24263034 (cited by 4 submitters); PubMed 27246109 (cited by 3 submitters); PubMed 8845838 (cited by Labcorp Genetics (formerly Invitae), Labcorp); PubMed 21932095 (cited by Labcorp Genetics (formerly Invitae), Labcorp); PubMed 32558070 (cited by Natera, Inc. and Women's Health and Genetics/Laboratory Corporation of America, LabCorp); PubMed 17999356 (cited by Natera, Inc.); PubMed 25456746 (cited by Illumina Laboratory Services, Illumina); PubMed 16488171 (cited by Illumina Laboratory Services, Illumina); PubMed 26385305 (cited by Counsyl).